The following is an entry in ClinVar:

ClinVar aggregate classification (germline): Uncertain significance (1 of 4 stars; one submission).

Submission:

GeneDx
Classification: Uncertain significance. Last evaluated: 2026-04-07. Review status: criteria provided, single submitter. Criteria: GeneDx Variant Classification Process June 2021. Collection method: clinical testing. Allele origin: germline.
Comment: Not observed at significant frequency in large population cohorts (gnomAD); In silico analysis suggests that this missense variant does not alter protein structure/function; Has not been previously published as pathogenic or benign to our knowledge

NM_001356.5(DDX3X):c.389A>G (p.Lys130Arg)

Gene: DDX3X (DEAD-box helicase 3 X-linked; plus strand). Cytogenetic location: Xp11.4.
Variant type: single nucleotide variant.
Coding change: c.389A>G on transcript NM_001356.5 (MANE Select); coding-DNA position 389, A replaced by G.
Protein change: p.Lys130Arg; replaces lysine 130 with arginine.
Molecular consequence: missense variant. On other transcripts: 5 prime UTR variant (1), non-coding transcript variant (1).
Genome position (GRCh38, 1-based): chrX:41,342,599, A>G. VCF-style: chrX-41342599-A-G. GRCh37 (hg19) VCF-style: chrX-41201852-A-G.
Other names: c.389A>G, p.Lys130Arg (NM_001193416.3); c.341A>G, p.Lys114Arg (NM_001193417.3); c.-170A>G (NM_001363819.1); short protein forms K114R, K130R.
Identifiers: ClinVar variation 5016730 (VCV005016730.1).